The following is an entry in ClinVar:

NM_000051.4(ATM):c.3299C>T (p.Thr1100Met)

Gene: ATM (ATM serine/threonine kinase; plus strand). Cytogenetic location: 11q22.3.
Variant type: single nucleotide variant.
Coding change: c.3299C>T on transcript NM_000051.4 (MANE Select); coding-DNA position 3299, C replaced by T.
Protein change: p.Thr1100Met; replaces threonine 1100 with methionine.
Molecular consequence: missense variant.
Genome position (GRCh38, 1-based): chr11:108,279,505, C>T. VCF-style: chr11-108279505-C-T. GRCh37 (hg19) VCF-style: chr11-108150232-C-T.
Other names: p.T1100M:ACG>ATG; c.3299C>T, p.Thr1100Met (NM_001351834.2); short protein forms T1100M.
Identifiers: ClinVar variation 181993 (VCV000181993.28), dbSNP rs189445371, ClinGen allele CA298348.

ClinVar aggregate classification (germline): Conflicting classifications of pathogenicity. Review status: criteria provided, conflicting classifications (1 of 4 stars). 11 submissions from 11 submitters: Uncertain significance (9); Likely benign (2). Last evaluated 2026-05-03.

Conditions:
ATM-related disorder. Also called: ATM-related disorders; ATM-related condition.
Hereditary cancer-predisposing syndrome. Also called: Neoplastic Syndromes, Hereditary; Tumor predisposition; Hereditary neoplastic syndrome; Hereditary Cancer Syndrome. Identifiers: Orphanet 140162, MedGen C0027672, MeSH D009386, MONDO:0015356.
Familial cancer of breast. Also called: Hereditary breast cancer; BREAST CANCER, FAMILIAL; hereditary breast carcinoma. Identifiers: Orphanet 227535, MedGen C0346153, MONDO:0016419, OMIM 114480. Disease mechanism: loss of function.
Ataxia-telangiectasia syndrome (AT). Also called: Cerebello-oculocutaneous telangiectasia; Immunodeficiency with ataxia telangiectasia; AT, COMPLEMENTATION GROUP C; LOUIS-BAR SYNDROME; Ataxia-telangiectasia, complementation group E; ATAXIA-TELANGIECTASIA, COMPLEMENTATION GROUP A. Identifiers: Orphanet 100, MedGen C0004135, MONDO:0008840, OMIM 208900.

Allele frequency attached by ClinVar (database versions not stated): gnomAD 0.00001; gnomAD exomes 0.00001; TOPMed 0.00001.
gnomAD v4.1: 17 of 1,610,314 alleles (0.0011%); highest among the groups gnomAD compares: East Asian, 0.0045%; no homozygotes.

Submissions (11):

PreventionGenetics, part of Exact Sciences
Classification: Uncertain significance for ATM-related condition. Last evaluated: 2026-05-03. Review status: criteria provided, single submitter. Criteria: ACMG Guidelines, 2015. Collection method: clinical testing. Allele origin: germline.
Comment: The ATM c.3299C>T variant is predicted to result in the amino acid substitution p.Thr1100Met. This variant has been reported as a variant of uncertain significance in patients with breast cancer and biliary tract cancer (Supplementary Table SD2, Momozawa et al. 2018. PubMed ID: 30287823; Supplementary Table S5, Tsaousis et al. 2019. PubMed ID: 31159747; Supplementary Table 2, Okawa et al. 2022. PubMed ID: 36243179). This variant has conflicting classifications in ClinVar, ranging from uncertain to likely benign (Variation ID: 181993). This variant is reported in 0.0056% of alleles in individuals of East Asian descent in gnomAD. At this time, the clinical significance of this variant is uncertain due to the absence of conclusive functional and genetic evidence.

Labcorp Genetics (formerly Invitae), Labcorp
Classification: Uncertain significance for Ataxia-telangiectasia syndrome. Last evaluated: 2026-01-26. Review status: criteria provided, single submitter. Criteria: Invitae Variant Classification Sherloc (09022015). Collection method: clinical testing. Allele origin: germline.
Comment: This sequence change replaces threonine, which is neutral and polar, with methionine, which is neutral and non-polar, at codon 1100 of the ATM protein (p.Thr1100Met). This variant is present in population databases (rs189445371, gnomAD 0.006%). This missense change has been observed in individual(s) with clinical features of ATM-related conditions (PMID: 31159747). ClinVar contains an entry for this variant (Variation ID: 181993). Invitae Evidence Modeling of protein sequence and biophysical properties (such as structural, functional, and spatial information, amino acid conservation, physicochemical variation, residue mobility, and thermodynamic stability) indicates that this missense variant is not expected to disrupt ATM protein function with a negative predictive value of 95%. In summary, the available evidence is currently insufficient to determine the role of this variant in disease. Therefore, it has been classified as a Variant of Uncertain Significance.

Quest Diagnostics Nichols Institute San Juan Capistrano
Classification: Uncertain significance. Last evaluated: 2025-02-12. Review status: criteria provided, single submitter. Criteria: Quest Diagnostics criteria. Collection method: clinical testing. Allele origin: unknown.

Color Diagnostics, LLC DBA Color Health
Classification: Likely benign for Hereditary cancer-predisposing syndrome. Last evaluated: 2024-09-19. Review status: criteria provided, single submitter. Criteria: ACMG Guidelines, 2015. Collection method: clinical testing. Allele origin: germline.

Baylor Genetics
Classification: Uncertain significance for Familial cancer of breast. Last evaluated: 2023-10-06. Review status: criteria provided, single submitter. Criteria: ACMG Guidelines, 2015. Collection method: clinical testing. Allele origin: unknown.

GeneDx
Classification: Uncertain significance. Last evaluated: 2023-06-29. Review status: criteria provided, single submitter. Criteria: GeneDx Variant Classification Process June 2021. Collection method: clinical testing. Allele origin: germline. Affected: yes.
Comment: In silico analysis supports that this missense variant does not alter protein structure/function; Observed in individuals with breast cancer or undergoing hereditary cancer panel testing, but also in unaffected control groups (Momozawa et al., 2018; Tsaousis et al., 2019; Dorling et al., 2021); This variant is associated with the following publications: (PMID: 27784671, 30287823, 31159747, 19781682, 33471991)

Athena Diagnostics
Classification: Uncertain significance. Last evaluated: 2021-12-29. Review status: criteria provided, single submitter. Criteria: Athena Diagnostics Criteria. Collection method: clinical testing. Allele origin: unknown.

Ambry Genetics
Classification: Likely benign for Hereditary cancer-predisposing syndrome. Last evaluated: 2019-03-12. Review status: criteria provided, single submitter. Criteria: Ambry Variant Classification Scheme 2023. Collection method: clinical testing. Allele origin: germline.

GeneKor MSA
Classification: Uncertain significance for Hereditary cancer-predisposing syndrome. Last evaluated: 2018-08-01. Review status: criteria provided, single submitter. Criteria: ACMG Guidelines, 2015. Collection method: clinical testing. Allele origin: germline. Affected: yes.

Mendelics
Classification: Uncertain significance for Ataxia-telangiectasia syndrome. Last evaluated: 2018-07-02. Review status: criteria provided, single submitter. Criteria: Mendelics Assertion Criteria 2017. Collection method: clinical testing. Allele origin: unknown.

Illumina Laboratory Services, Illumina
Classification: Uncertain significance for Ataxia-telangiectasia syndrome. Last evaluated: 2018-01-13. Review status: criteria provided, single submitter. Criteria: ICSL Variant Classification Criteria 13 December 2019. Collection method: clinical testing. Allele origin: germline.

Literature cited by the submitters: PubMed 31159747 (cited by Labcorp Genetics (formerly Invitae), Labcorp and Athena Diagnostics); PubMed 33471991 (cited by Athena Diagnostics); PubMed 30287823 (cited by Athena Diagnostics).